The following is an entry in ClinVar:

ClinVar aggregate classification (germline): Benign. Review status: criteria provided, multiple submitters, no conflicts (2 of 4 stars). 2 submissions from 2 submitters: Benign (2). Last evaluated 2026-01-25.

Allele frequency attached by ClinVar (database versions not stated): gnomAD exomes 0.00055; ExAC 0.00172; gnomAD 0.00495; 1000 Genomes Project 0.00499; 1000 Genomes Project 30x 0.00515; ESP Exome Variant Server 0.00523; TOPMed 0.00557.
gnomAD v4.1: 1,575 of 1,613,496 alleles (0.098%); highest among the groups gnomAD compares: African/African-American, 1.8%; 17 homozygotes.

Submissions (2):

Labcorp Genetics (formerly Invitae), Labcorp
Classification: Benign. Last evaluated: 2026-01-25. Review status: criteria provided, single submitter. Criteria: Invitae Variant Classification Sherloc (09022015). Collection method: clinical testing. Allele origin: germline.

Mayo Clinic Laboratories, Mayo Clinic
Classification: Benign. Last evaluated: 2023-04-05. Review status: criteria provided, single submitter. Criteria: ACMG Guidelines, 2015. Collection method: clinical testing. Allele origin: germline. Observed: 2 variant alleles.
Comment: BS1, BS2, BP4, BP7

NM_001388308.1(KIF12):c.1014+4C>G

Gene: KIF12 (kinesin family member 12; minus strand). Cytogenetic location: 9q32.
Variant type: single nucleotide variant.
Coding change: c.1014+4C>G on transcript NM_001388308.1 (MANE Select); 4 bases into the intron after coding-DNA position 1014, C replaced by G.
Molecular consequence: intron variant.
Genome position (GRCh38, 1-based): chr9:114,095,210, G>C on the plus strand (C>G on the coding strand, the complement: KIF12 is on the minus strand). VCF-style: chr9-114095210-G-C. GRCh37 (hg19) VCF-style: chr9-116857490-G-C.
Other names: p.?; c.600+4C>G (NM_138424.1, NM_138424.2).
Identifiers: ClinVar variation 2044950 (VCV002044950.5), dbSNP rs76366459, ClinGen allele CA5200684.